The following is an entry in ClinVar:

NM_031407.7(HUWE1):c.693+1G>A

Gene: HUWE1 (HECT, UBA and WWE domain containing E3 ubiquitin protein ligase 1; minus strand). Cytogenetic location: Xp11.22.
Variant type: single nucleotide variant.
Coding change: c.693+1G>A on transcript NM_031407.7 (MANE Select); the canonical splice donor site of the intron after coding-DNA position 693, G replaced by A.
Molecular consequence: splice donor variant.
Genome position (GRCh38, 1-based): chrX:53,631,566, C>T on the plus strand (G>A on the coding strand, the complement: HUWE1 is on the minus strand). VCF-style: chrX-53631566-C-T. GRCh37 (hg19) VCF-style: chrX-53658518-C-T.
Identifiers: ClinVar variation 3899508 (VCV003899508.1).

ClinVar aggregate classification (germline): Likely pathogenic (1 of 4 stars; one submission).

Submission:

GeneDx
Classification: Likely pathogenic. Last evaluated: 2024-11-15. Review status: criteria provided, single submitter. Criteria: GeneDx Variant Classification Process June 2021. Collection method: clinical testing. Allele origin: germline. Affected: yes.
Comment: Identified in an individual with autism spectrum disorder in published literature (PMID: 32477112); Canonical splice site variant with an unclear effect on protein function; Not observed at significant frequency in large population cohorts (gnomAD); This variant is associated with the following publications: (PMID: 32477112, 31031587, 34800434)